The following is an entry in ClinVar:

ClinVar aggregate classification (germline): Likely benign. Review status: criteria provided, multiple submitters, no conflicts (2 of 4 stars). 2 submissions from 2 submitters: Likely benign (2). Last evaluated 2025-01-31.

Conditions:
SLC4A11-related disorder. Also called: SLC4A11-related condition.

gnomAD v4.1: 747 of 1,547,354 alleles (0.048%); highest among the groups gnomAD compares: African/African-American, 0.92%; 4 homozygotes.

Submissions (2):

PreventionGenetics, part of Exact Sciences
Classification: Likely benign for SLC4A11-related condition. Last evaluated: 2025-01-31. Review status: criteria provided, single submitter. Criteria: ACMG Guidelines, 2015. Collection method: clinical testing. Allele origin: germline.
Comment: This variant is classified as likely benign based on ACMG/AMP sequence variant interpretation guidelines (Richards et al. 2015 PMID: 25741868, with internal and published modifications).

Blueprint Genetics
Classification: Likely benign. Last evaluated: 2024-06-05. Review status: criteria provided, single submitter. Criteria: ACMG Guidelines, 2015. Collection method: clinical testing. Allele origin: germline.

NM_001174089.2(SLC4A11):c.44-414C>T

Gene: SLC4A11 (solute carrier family 4 member 11; minus strand). Cytogenetic location: 20p13.
Variant type: single nucleotide variant.
Coding change: c.44-414C>T on transcript NM_001174089.2 (MANE Select); 414 bases into the intron before coding-DNA position 44, C replaced by T.
Molecular consequence: intron variant. On other transcripts: synonymous variant (2), non-coding transcript variant (2).
Genome position (GRCh38, 1-based): chr20:3,238,002, G>A on the plus strand (C>T on the coding strand, the complement: SLC4A11 is on the minus strand). VCF-style: chr20-3238002-G-A. GRCh37 (hg19) VCF-style: chr20-3218648-G-A.
Other names: c.63C>T, p.Pro21= (NM_001174090.2, NM_001400280.1); c.-14-414C>T (NM_001400277.1, NM_001400278.1, NM_001400279.1); c.44-414C>T (NM_001363745.2); c.63C>T (NM_001174090.1).
Identifiers: ClinVar variation 4944243 (VCV004944243.2).